The following is an entry in ClinVar:

NM_006904.7(PRKDC):c.8375C>A (p.Thr2792Asn)

Gene: PRKDC (protein kinase, DNA-activated, catalytic subunit; minus strand). Cytogenetic location: 8q11.21.
Variant type: single nucleotide variant.
Coding change: c.8375C>A on transcript NM_006904.7 (MANE Select); coding-DNA position 8375, C replaced by A.
Protein change: p.Thr2792Asn; replaces threonine 2792 with asparagine.
Molecular consequence: missense variant.
Genome position (GRCh38, 1-based): chr8:47,830,627, G>T on the plus strand (C>A on the coding strand, the complement: PRKDC is on the minus strand). VCF-style: chr8-47830627-G-T. GRCh37 (hg19) VCF-style: chr8-48743188-G-T.
Other names: c.8375C>A, p.Thr2792Asn (NM_001081640.2); short protein forms T2792N.
Identifiers: ClinVar variation 3225925 (VCV003225925.1), dbSNP rs2551866607, ClinGen allele CA371146618.

ClinVar aggregate classification (germline): Uncertain significance (1 of 4 stars; one submission).

Submission:

Ambry Genetics
Classification: Uncertain significance. Last evaluated: 2024-01-28. Review status: criteria provided, single submitter. Criteria: Ambry Variant Classification Scheme 2023. Collection method: clinical testing. Allele origin: germline.
Comment: The p.T2792N variant (also known as c.8375C>A), located in coding exon 61 of the PRKDC gene, results from a C to A substitution at nucleotide position 8375. The threonine at codon 2792 is replaced by asparagine, an amino acid with similar properties. This amino acid position is conserved. Based on the available evidence, the clinical significance of this alteration remains unclear.